The following is an entry in ClinVar:

ClinVar aggregate classification (germline): Pathogenic (1 of 4 stars; one submission).

Conditions:
PKD1-related disorder. Also called: PKD1-related condition.

Submission:

PreventionGenetics, part of Exact Sciences
Classification: Pathogenic for PKD1-related condition. Last evaluated: 2026-06-27. Review status: criteria provided, single submitter. Criteria: ACMG Guidelines, 2015. Collection method: clinical testing. Allele origin: germline.
Comment: The PKD1 c.8815G>T variant is predicted to result in premature protein termination (p.Glu2939*). To our knowledge, this variant has not been reported in the literature as a germline variant or in a large population database (gnomAD), indicating this variant is rare. Nonsense variants in PKD1 are expected to be pathogenic. Of note, this variant has been reported in a study of somatic mutations in renal cyst epithelium in autosomal dominant polycystic kidney disease (ADPKD) (Tan et al. 2018. PubMed ID: 30042192). This variant is interpreted as pathogenic.

NM_001009944.3(PKD1):c.8815G>T (p.Glu2939Ter)

Gene: PKD1 (polycystin 1, transient receptor potential channel interacting; minus strand). Cytogenetic location: 16p13.3.
Variant type: single nucleotide variant.
Coding change: c.8815G>T on transcript NM_001009944.3 (MANE Select); coding-DNA position 8815, G replaced by T.
Protein change: p.Glu2939Ter; replaces glutamic acid 2939 with a stop codon.
Molecular consequence: nonsense.
Genome position (GRCh38, 1-based): chr16:2,102,947, C>A on the plus strand (G>T on the coding strand, the complement: PKD1 is on the minus strand). VCF-style: chr16-2102947-C-A. GRCh37 (hg19) VCF-style: chr16-2152948-C-A.
Other names: c.8815G>T, p.Glu2939Ter (NM_000296.4); short protein forms E2939*.
Identifiers: ClinVar variation 4993026 (VCV004993026.1).